The following is an entry in ClinVar:

ClinVar aggregate classification (germline): Uncertain significance. Review status: criteria provided, multiple submitters, no conflicts (2 of 4 stars). 3 submissions from 3 submitters: Uncertain significance (3). Last evaluated 2022-10-24.

Conditions:
Dyskeratosis congenita. Identifiers: Orphanet 1775, MedGen C0265965, MONDO:0015780.
Inborn genetic diseases. Identifiers: MedGen C0950123, MeSH D030342.

Allele frequency attached by ClinVar (database versions not stated): gnomAD exomes below 0.00001 and 0.00003; gnomAD 0.00004; TOPMed 0.00005.
gnomAD v4.1: 46 of 1,595,036 alleles (0.0029%); highest among the groups gnomAD compares: African/African-American, 0.0081%; no homozygotes.

Submissions (3):

Labcorp Genetics (formerly Invitae), Labcorp
Classification: Uncertain significance for Dyskeratosis congenita. Last evaluated: 2022-10-24. Review status: criteria provided, single submitter. Criteria: Invitae Variant Classification Sherloc (09022015). Collection method: clinical testing. Allele origin: germline.
Comment: This sequence change replaces valine, which is neutral and non-polar, with isoleucine, which is neutral and non-polar, at codon 68 of the CTC1 protein (p.Val68Ile). This variant is present in population databases (no rsID available, gnomAD 0.006%). This variant has not been reported in the literature in individuals affected with CTC1-related conditions. ClinVar contains an entry for this variant (Variation ID: 403759). Advanced modeling of protein sequence and biophysical properties (such as structural, functional, and spatial information, amino acid conservation, physicochemical variation, residue mobility, and thermodynamic stability) performed at Invitae indicates that this missense variant is not expected to disrupt CTC1 protein function. In summary, the available evidence is currently insufficient to determine the role of this variant in disease. Therefore, it has been classified as a Variant of Uncertain Significance.

Sema4
Classification: Uncertain significance for Dyskeratosis congenita. Last evaluated: 2021-11-15. Review status: criteria provided, single submitter. Criteria: Sema4 Curation Guidelines. Collection method: curation. Allele origin: germline.
Comment: The CTC1 c.202G>A (p.V68I) variant has not been reported in the literature to our knowledge. It was observed in 2/33116 chromosomes of the Latino subpopulation in the large and broad cohorts of the Genome Aggregation Database (PMID: 32461654). The variant has been reported in ClinVar (Variation ID 403759). Functional studies have not been performed, and in silico predictions of the variant's effect on protein function are inconclusive. The evidence is insufficient to meet ACMG/AMP criteria for classifying the variant as benign or pathogenic. Thus, the clinical significance of this variant is currently uncertain.

Ambry Genetics
Classification: Uncertain significance for Inborn genetic diseases. Last evaluated: 2021-06-18. Review status: criteria provided, single submitter. Criteria: Ambry Variant Classification Scheme 2023. Collection method: clinical testing. Allele origin: germline.

NM_025099.6(CTC1):c.202G>A (p.Val68Ile)

Gene: CTC1 (CST telomere replication complex component 1; minus strand). Cytogenetic location: 17p13.1.
Variant type: single nucleotide variant.
Coding change: c.202G>A on transcript NM_025099.6 (MANE Select); coding-DNA position 202, G replaced by A.
Protein change: p.Val68Ile; replaces valine 68 with isoleucine.
Molecular consequence: missense variant. On other transcripts: non-coding transcript variant (1).
Genome position (GRCh38, 1-based): chr17:8,238,625, C>T on the plus strand (G>A on the coding strand, the complement: CTC1 is on the minus strand). VCF-style: chr17-8238625-C-T. GRCh37 (hg19) VCF-style: chr17-8141943-C-T.
Other names: short protein forms V68I.
Identifiers: ClinVar variation 403759 (VCV000403759.7), dbSNP rs1060499949, ClinGen allele CA16615758.
Genomic context (GRCh38, chr17:8,238,625, plus strand): 5'-TCCACGACAGGTGGCTGCAGCATGGGAGACGCTGGTGAGTCTTGAGGTCCTGTACTGAGA[C>T]GAAGCTGTAGAGTGAAGGGAACAGAGGTCCTGCAAAGCCAGGTCCAAGCCTACTAAGGCA-3'
Protein context (NP_079375.3, residues 58-78): GSTLPLSYSF[Val68Ile]SVQDLKTHQR